The following is an entry in ClinVar:

NM_018986.5(SH3TC1):c.3069G>A (p.Lys1023=)

Gene: SH3TC1 (SH3 domain and tetratricopeptide repeats 1; plus strand). Cytogenetic location: 4p16.1.
Variant type: single nucleotide variant.
Coding change: c.3069G>A on transcript NM_018986.5 (MANE Select); coding-DNA position 3069, G replaced by A.
Protein change: p.Lys1023=; no amino-acid change (lysine 1023 retained).
Molecular consequence: synonymous variant. On other transcripts: non-coding transcript variant (1).
Genome position (GRCh38, 1-based): chr4:8,232,094, G>A. VCF-style: chr4-8232094-G-A. GRCh37 (hg19) VCF-style: chr4-8233821-G-A.
Other names: c.2841G>A, p.Lys947= (NM_001318480.2); c.2988G>A, p.Lys996= (NM_001410712.1).
Identifiers: ClinVar variation 2654651 (VCV002654651.24), dbSNP rs138234848, ClinGen allele CA2849818.

ClinVar aggregate classification (germline): Likely benign (1 of 4 stars; one submission).

Allele frequency attached by ClinVar (database versions not stated): gnomAD exomes 0.00016; gnomAD 0.00018; ESP Exome Variant Server 0.00023; TOPMed 0.00027; ExAC 0.00029.
gnomAD v4.1: 289 of 1,613,050 alleles (0.018%); highest among the groups gnomAD compares: Admixed American, 0.0033%; 1 homozygote.

Submission:

CeGaT Center for Human Genetics Tuebingen
Classification: Likely benign. Last evaluated: 2022-03-01. Review status: criteria provided, single submitter. Criteria: CeGaT Center For Human Genetics Tuebingen Variant Classification Criteria Version 2. Collection method: clinical testing. Allele origin: germline. Affected: yes. Observed: 1 variant allele.
Comment: SH3TC1: BP4, BP7